The following is an entry in ClinVar:

ClinVar aggregate classification (germline): Benign. Review status: criteria provided, multiple submitters, no conflicts (2 of 4 stars). 9 submissions from 9 submitters: Benign (7). 2 of the submissions do not count toward it. Last evaluated 2026-02-04.

Conditions:
Holocarboxylase synthetase deficiency. Also called: MULTIPLE CARBOXYLASE DEFICIENCY, EARLY ONSET. Identifiers: Orphanet 79242, MedGen C0268581, MONDO:0009666, OMIM 253270.

Allele frequency attached by ClinVar (database versions not stated): 1000 Genomes Project 30x 0.06964; 1000 Genomes Project 0.07129; TOPMed 0.10790; gnomAD 0.11730 and 0.11920; gnomAD exomes 0.11948; ExAC 0.12077; ESP Exome Variant Server 0.12679.
gnomAD v4.1: 241,093 of 1,614,060 alleles (15%); highest among the groups gnomAD compares: Non-Finnish European, 17%; 19,499 homozygotes.

Submissions (16):

Labcorp Genetics (formerly Invitae), Labcorp
Classification: Benign for Holocarboxylase synthetase deficiency. Last evaluated: 2026-02-04. Review status: criteria provided, single submitter. Criteria: Invitae Variant Classification Sherloc (09022015). Collection method: clinical testing. Allele origin: germline.

Genome-Nilou Lab
Classification: Benign for Holocarboxylase synthetase deficiency. Last evaluated: 2021-06-10. Review status: criteria provided, single submitter. Criteria: ACMG Guidelines, 2015. Collection method: clinical testing. Allele origin: germline. Affected: no.

Illumina Laboratory Services, Illumina
Classification: Benign for Holocarboxylase synthetase deficiency. Last evaluated: 2018-01-12. Review status: criteria provided, single submitter. Criteria: ICSL Variant Classification Criteria 13 December 2019. Collection method: clinical testing. Allele origin: germline.
Comment: This variant was observed in the ICSL laboratory as part of a predisposition screen in an ostensibly healthy population. It had not been previously curated by ICSL or reported in the Human Gene Mutation Database (HGMD: prior to June 1st, 2018), and was therefore a candidate for classification through an automated scoring system. Utilizing variant allele frequency, disease prevalence and penetrance estimates, and inheritance mode, an automated score was calculated to assess if this variant is too frequent to cause the disease. Based on the score and internal cut-off values, a variant classified as benign is not then subjected to further curation. The score for this variant resulted in a classification of benign for this disease.

GeneDx
Classification: Benign. Last evaluated: 2015-03-03. Review status: criteria provided, single submitter. Criteria: GeneDx Variant Classification Process June 2021. Collection method: clinical testing. Allele origin: germline. Affected: yes.

Eurofins Ntd Llc (ga)
Classification: Benign. Last evaluated: 2013-01-16. Review status: criteria provided, single submitter. Criteria: EGL Classification Definitions 2015. Collection method: clinical testing. Allele origin: germline. Observed: 1 variant allele, 1 heterozygote.

Breakthrough Genomics
Classification: Benign. Review status: criteria provided, single submitter. Criteria: ACMG Guidelines, 2015. Collection method: not provided. Allele origin: germline. Inheritance: Autosomal recessive inheritance. Affected: yes.

PreventionGenetics, part of Exact Sciences
Classification: Benign. Review status: criteria provided, single submitter. Criteria: ACMG Guidelines, 2015. Collection method: clinical testing. Allele origin: germline.

Natera, Inc.
Classification: Benign for Holocarboxylase synthetase deficiency. Last evaluated: 2019-11-21. Review status: no assertion criteria provided. Collection method: clinical testing. Allele origin: germline. Not counted in ClinVar's aggregate classification.

Dr. Peter K. Rogan Lab, Western University
No classification provided (evidence only). Condition: Colorectal cancer. Review status: no classification provided. Collection method: in vitro. Allele origin: not applicable. Functional consequence: retained intron. Not counted in ClinVar's aggregate classification.

Dr. Peter K. Rogan Lab, Western University
No classification provided (evidence only). Condition: Colorectal cancer. Review status: no classification provided. Collection method: in vitro. Allele origin: not applicable. Functional consequence: retained intron. Not counted in ClinVar's aggregate classification.

Dr. Peter K. Rogan Lab, Western University
No classification provided (evidence only). Condition: Colorectal cancer. Review status: no classification provided. Collection method: in vitro. Allele origin: not applicable. Functional consequence: skipped exon. Not counted in ClinVar's aggregate classification.

Dr. Peter K. Rogan Lab, Western University
No classification provided (evidence only). Condition: Malignant lymphoma, large B-cell, diffuse. Review status: no classification provided. Collection method: in vitro. Allele origin: not applicable. Functional consequence: retained intron. Not counted in ClinVar's aggregate classification.

Dr. Peter K. Rogan Lab, Western University
No classification provided (evidence only). Condition: Adrenocortical carcinoma, hereditary. Review status: no classification provided. Collection method: in vitro. Allele origin: not applicable. Functional consequence: skipped exon. Not counted in ClinVar's aggregate classification.

Dr. Peter K. Rogan Lab, Western University
No classification provided (evidence only). Condition: Adrenocortical carcinoma, hereditary. Review status: no classification provided. Collection method: in vitro. Allele origin: not applicable. Functional consequence: retained intron. Not counted in ClinVar's aggregate classification.

Dr. Peter K. Rogan Lab, Western University
No classification provided (evidence only). Condition: Uterine carcinosarcoma. Review status: no classification provided. Collection method: in vitro. Allele origin: not applicable. Functional consequence: retained intron. Not counted in ClinVar's aggregate classification.

Genetic Services Laboratory, University of Chicago
Classification: Likely benign for AllHighlyPenetrant. Review status: no assertion criteria provided. Collection method: clinical testing. Allele origin: germline. Inheritance: Autosomal recessive inheritance. Not counted in ClinVar's aggregate classification.
Comment: Likely benign based on allele frequency in 1000 Genomes Project or ESP global frequency and its presence in a patient with a rare or unrelated disease phenotype. NOT Sanger confirmed.

NM_001352514.2(HLCS):c.1275C>T (p.Ser425=)

Gene: HLCS (holocarboxylase synthetase; minus strand). Cytogenetic location: 21q22.13.
Variant type: single nucleotide variant.
Coding change: c.1275C>T on transcript NM_001352514.2 (MANE Select); coding-DNA position 1275, C replaced by T.
Protein change: p.Ser425=; no amino-acid change (serine 425 retained).
Molecular consequence: synonymous variant. On other transcripts: non-coding transcript variant (2).
Genome position (GRCh38, 1-based): chr21:36,936,611, G>A on the plus strand (C>T on the coding strand, the complement: HLCS is on the minus strand). VCF-style: chr21-36936611-G-A. GRCh37 (hg19) VCF-style: chr21-38308911-G-A.
Other names: c.834C>T, p.Ser278= (NM_000411.8, NM_001242784.3, NM_001242785.2 and 4 more transcripts).
Identifiers: ClinVar variation 92916 (VCV000092916.31), dbSNP rs1065758, ClinGen allele CA146083.